The following is an entry in ClinVar:

ClinVar aggregate classification (germline): Uncertain significance (1 of 4 stars; one submission).

Allele frequency attached by ClinVar (database versions not stated): gnomAD exomes below 0.00001; ExAC 0.00001; gnomAD 0.00004; TOPMed 0.00006.

Submission:

Labcorp Genetics (formerly Invitae), Labcorp
Classification: Uncertain significance. Last evaluated: 2025-05-05. Review status: criteria provided, single submitter. Criteria: Invitae Variant Classification Sherloc (09022015). Collection method: clinical testing. Allele origin: germline.
Comment: This variant, c.1270_1272del, results in the deletion of 1 amino acid(s) of the MAP3K20 protein (p.Ser424del), but otherwise preserves the integrity of the reading frame. This variant is present in population databases (rs753352140, gnomAD 0.0009%). This variant has not been reported in the literature in individuals affected with MAP3K20-related conditions. ClinVar contains an entry for this variant (Variation ID: 1389623). Experimental studies and prediction algorithms are not available or were not evaluated, and the functional significance of this variant is currently unknown. In summary, the available evidence is currently insufficient to determine the role of this variant in disease. Therefore, it has been classified as a Variant of Uncertain Significance.

NM_016653.3(MAP3K20):c.1270_1272del (p.Ser424del)

Genes: MAP3K20 (mitogen-activated protein kinase kinase kinase 20; plus strand), MAP3K20-AS1 (MAP3K20 antisense RNA 1; minus strand). Cytogenetic location: 2q31.1.
Variant type: Deletion.
Coding change: c.1270_1272del on transcript NM_016653.3 (MANE Select); coding-DNA positions 1270 to 1272, 3 bases deleted (TCA; older notation c.1270_1272delTCA).
Protein change: p.Ser424del; deletes serine 424.
Molecular consequence: inframe deletion.
Genome position (GRCh38, 1-based): chr2:173,239,407-173,239,409, TCA deleted. VCF-style (leftmost placement, unchanged base first): chr2-173239406-CTCA-C. GRCh37 (hg19) VCF-style: chr2-174104134-CTCA-C.
Other names: short protein forms S424del.
Identifiers: ClinVar variation 1389623 (VCV001389623.7), dbSNP rs753352140, ClinGen allele CA1970797.